The following is an entry in ClinVar:

ClinVar aggregate classification (germline): Likely benign (0 of 4 stars; one submission).

Conditions:
MYO9B-related disorder. Also called: MYO9B-related condition.

Allele frequency attached by ClinVar (database versions not stated): gnomAD 0.00003; ExAC 0.00006; TOPMed 0.00006.
gnomAD v4.1: 98 of 1,579,746 alleles (0.0062%); highest among the groups gnomAD compares: Middle Eastern, 0.017%; no homozygotes.

Submission:

PreventionGenetics, part of Exact Sciences
Classification: Likely benign for MYO9B-related condition. Last evaluated: 2019-07-19. Review status: no assertion criteria provided. Collection method: clinical testing. Allele origin: germline.
Comment: This variant is classified as likely benign based on ACMG/AMP sequence variant interpretation guidelines (Richards et al. 2015 PMID: 25741868, with internal and published modifications).

NM_004145.4(MYO9B):c.6339G>A (p.Thr2113=)

Gene: MYO9B (myosin IXB; plus strand). Cytogenetic location: 19p13.11.
Variant type: single nucleotide variant.
Coding change: c.6339G>A on transcript NM_004145.4 (MANE Select); coding-DNA position 6339, G replaced by A.
Protein change: p.Thr2113=; no amino-acid change (threonine 2113 retained).
Molecular consequence: synonymous variant. On other transcripts: 3 prime UTR variant (1).
Genome position (GRCh38, 1-based): chr19:17,212,175, G>A. VCF-style: chr19-17212175-G-A. GRCh37 (hg19) VCF-style: chr19-17322984-G-A.
Other names: c.*282G>A (NM_001130065.2).
Identifiers: ClinVar variation 3049854 (VCV003049854.2), dbSNP rs755940808, ClinGen allele CA9288902.